The following is an entry in ClinVar:

NM_000516.7(GNAS):c.493C>T (p.Arg165Cys)

Gene: GNAS (GNAS complex locus; plus strand). Cytogenetic location: 20q13.32.
Variant type: single nucleotide variant.
Coding change: c.493C>T on transcript NM_000516.7 (MANE Select); coding-DNA position 493, C replaced by T.
Protein change: p.Arg165Cys; replaces arginine 165 with cysteine.
Molecular consequence: missense variant. On other transcripts: 3 prime UTR variant (2).
Genome position (GRCh38, 1-based): chr20:58,905,443, C>T. VCF-style: chr20-58905443-C-T. GRCh37 (hg19) VCF-style: chr20-57480498-C-T.
Other names: C165R; c.496C>T, p.Arg166Cys (NM_001077488.5); c.448C>T, p.Arg150Cys (NM_001077489.4); c.*354C>T (NM_001077490.3); c.316C>T, p.Arg106Cys (NM_001309840.2, NM_001309861.2); c.*399C>T (NM_016592.5); c.2422C>T, p.Arg808Cys (NM_080425.4); c.451C>T, p.Arg151Cys (NM_080426.4); short protein forms R150C, R151C, R165C, R166C, R808C, R106C.
Identifiers: ClinVar variation 15932 (VCV000015932.12), dbSNP rs137854532, ClinGen allele CA126062.

ClinVar aggregate classification (germline): Pathogenic. Review status: criteria provided, multiple submitters, no conflicts (2 of 4 stars). 6 submissions from 6 submitters: Pathogenic (4). 2 of the submissions do not count toward it. Last evaluated 2025-06-17.

Conditions:
Pseudohypoparathyroidism type I A (PHP1A). Also called: ALBRIGHT HEREDITARY OSTEODYSTROPHY WITH MULTIPLE HORMONE RESISTANCE; Pseudohypoparathyroidism Ia (PHP-Ia); Pseudohypoparathyroidism Type IA; PHP IA; Pseudohypoparathyroidism type 1A. Identifiers: Orphanet 79443, MedGen C3494506, MONDO:0007078, OMIM 103580.
Hereditary spastic paraplegia 4. Also called: Familial spastic paraplegia autosomal dominant 2; Spastic paraplegia 4, autosomal dominant; Spastic Paraplegia 4. Identifiers: Orphanet 100985, MedGen C1866855, MONDO:0008438, OMIM 182601.
Pseudohypoparathyroidism (PHP1A). Identifiers: Orphanet 79443, Orphanet 97593, MedGen C0033806, MONDO:0019992, HP:0000852.

Submissions (6):

Labcorp Genetics (formerly Invitae), Labcorp
Classification: Pathogenic. Last evaluated: 2025-06-17. Review status: criteria provided, single submitter. Criteria: Invitae Variant Classification Sherloc (09022015). Collection method: clinical testing. Allele origin: germline.
Comment: This sequence change replaces arginine, which is basic and polar, with cysteine, which is neutral and slightly polar, at codon 165 of the GNAS protein (p.Arg165Cys). This variant is not present in population databases (gnomAD no frequency). This missense change has been observed in individual(s) with clinical features of GNAS-related conditions (PMID: 8388883, 23281139, 25802881). In at least one individual the variant was observed to be de novo. This variant is also known as c.496C>T p.(Arg166Cys). ClinVar contains an entry for this variant (Variation ID: 15932). Invitae Evidence Modeling of protein sequence and biophysical properties (such as structural, functional, and spatial information, amino acid conservation, physicochemical variation, residue mobility, and thermodynamic stability) indicates that this missense variant is expected to disrupt GNAS protein function with a positive predictive value of 95%. Studies have shown that this missense change alters GNAS gene expression (PMID: 8388883). For these reasons, this variant has been classified as Pathogenic.

MGZ Medical Genetics Center
Classification: Pathogenic for Pseudohypoparathyroidism type I A. Last evaluated: 2021-12-06. Review status: criteria provided, single submitter. Criteria: ACMG Guidelines, 2015. Collection method: clinical testing. Allele origin: germline. Affected: yes. Observed: 1 variant allele.
Comment: ACMG criteria applied: PS1, PS2, PM2_SUP, PP3

Laboratory of Medical Genetics, National & Kapodistrian University of Athens
Classification: Pathogenic for Hereditary spastic paraplegia 4. Last evaluated: 2021-10-01. Review status: criteria provided, single submitter. Criteria: ACMG Guidelines, 2015. Collection method: clinical testing. Allele origin: unknown. Affected: yes.
Comment: PM1, PM2, PP2, PP3, PP5

GeneDx
Classification: Pathogenic. Last evaluated: 2021-09-29. Review status: criteria provided, single submitter. Criteria: GeneDx Variant Classification Process June 2021. Collection method: clinical testing. Allele origin: germline. Affected: yes.
Comment: Not observed at significant frequency in large population cohorts (gnomAD); In silico analysis supports that this missense variant has a deleterious effect on protein structure/function; This variant is associated with the following publications: (PMID: 8388883, 34008892, 26336083, 9506735, 28497657, 31886927, 29072892, 25802881, 27542269, 16789628)

OMIM
Classification: Pathogenic for PSEUDOHYPOPARATHYROIDISM, TYPE IA. Last evaluated: 2013-09-30. Review status: no assertion criteria provided. Collection method: literature only. Allele origin: germline. Not counted in ClinVar's aggregate classification.

GeneReviews
No classification provided. Condition: Pseudohypoparathyroidism. Review status: no classification provided. Collection method: literature only. Allele origin: germline. Not counted in ClinVar's aggregate classification.

Literature cited by the submitters: PubMed 8388883 (cited by Labcorp Genetics (formerly Invitae), Labcorp); PubMed 23281139 (cited by Labcorp Genetics (formerly Invitae), Labcorp); PubMed 25802881 (cited by Labcorp Genetics (formerly Invitae), Labcorp and GeneReviews); PubMed 34008892 (cited by Laboratory of Medical Genetics, National & Kapodistrian University of Athens); Levine, M. A., Vechio, J. D. Personal Communication. 1990. Baltimore, Md. (cited by OMIM); PubMed 29072892 (cited by GeneReviews).